The following is an entry in ClinVar:

ClinVar aggregate classification (germline): Uncertain significance. Review status: criteria provided, multiple submitters, no conflicts (2 of 4 stars). 2 submissions from 2 submitters: Uncertain significance (2). Last evaluated 2025-01-25.

Conditions:
Hereditary pancreatitis (PCTT). Also called: Hereditary chronic pancreatitis; PRSS1-Related Hereditary Pancreatitis. Identifiers: Orphanet 676, MedGen C0238339, MONDO:0008185, OMIM 167800.

Allele frequency attached by ClinVar (database versions not stated): TOPMed below 0.00001; gnomAD exomes 0.00003.

Submissions (2):

Ambry Genetics
Classification: Uncertain significance for Hereditary pancreatitis. Last evaluated: 2025-01-25. Review status: criteria provided, single submitter. Criteria: Ambry Variant Classification Scheme 2023. Collection method: clinical testing. Allele origin: germline.
Comment: The p.T221A variant (also known as c.661A>G), located in coding exon 6 of the CPA1 gene, results from an A to G substitution at nucleotide position 661. The threonine at codon 221 is replaced by alanine, an amino acid with similar properties. This amino acid position is conserved. In addition, the in silico prediction for this alteration is inconclusive. Since supporting evidence is limited at this time, the clinical significance of this alteration remains unclear.

Labcorp Genetics (formerly Invitae), Labcorp
Classification: Uncertain significance. Last evaluated: 2023-02-11. Review status: criteria provided, single submitter. Criteria: Invitae Variant Classification Sherloc (09022015). Collection method: clinical testing. Allele origin: germline.
Comment: In summary, the available evidence is currently insufficient to determine the role of this variant in disease. Therefore, it has been classified as a Variant of Uncertain Significance. Advanced modeling of protein sequence and biophysical properties (such as structural, functional, and spatial information, amino acid conservation, physicochemical variation, residue mobility, and thermodynamic stability) performed at Invitae indicates that this missense variant is not expected to disrupt CPA1 protein function. ClinVar contains an entry for this variant (Variation ID: 1754501). This variant has not been reported in the literature in individuals affected with CPA1-related conditions. This variant is not present in population databases (gnomAD no frequency). This sequence change replaces threonine, which is neutral and polar, with alanine, which is neutral and non-polar, at codon 221 of the CPA1 protein (p.Thr221Ala).

NM_001868.4(CPA1):c.661A>G (p.Thr221Ala)

Gene: CPA1 (carboxypeptidase A1; plus strand). Cytogenetic location: 7q32.2.
Variant type: single nucleotide variant.
Coding change: c.661A>G on transcript NM_001868.4 (MANE Select); coding-DNA position 661, A replaced by G.
Protein change: p.Thr221Ala; replaces threonine 221 with alanine.
Molecular consequence: missense variant.
Genome position (GRCh38, 1-based): chr7:130,383,759, A>G. VCF-style: chr7-130383759-A-G. GRCh37 (hg19) VCF-style: chr7-130023600-A-G.
Other names: short protein forms T221A.
Identifiers: ClinVar variation 1754501 (VCV001754501.8), dbSNP rs1251000523, ClinGen allele CA369282789.